The following is an entry in ClinVar:

NM_001252024.2(TRPM1):c.1290G>A (p.Thr430=)

Gene: TRPM1 (transient receptor potential cation channel subfamily M member 1; minus strand). Cytogenetic location: 15q13.3.
Variant type: single nucleotide variant.
Coding change: c.1290G>A on transcript NM_001252024.2 (MANE Select); coding-DNA position 1290, G replaced by A.
Protein change: p.Thr430=; no amino-acid change (threonine 430 retained).
Molecular consequence: synonymous variant.
Genome position (GRCh38, 1-based): chr15:31,050,556, C>T on the plus strand (G>A on the coding strand, the complement: TRPM1 is on the minus strand). VCF-style: chr15-31050556-C-T. GRCh37 (hg19) VCF-style: chr15-31342759-C-T.
Other names: c.1341G>A, p.Thr447= (NM_001252020.2); c.1224G>A, p.Thr408= (NM_002420.6); c.1341G>A (NM_001252020.1).
Identifiers: ClinVar variation 934345 (VCV000934345.12), dbSNP rs372739363, ClinGen allele CA7452602.

ClinVar aggregate classification (germline): Likely benign. Review status: criteria provided, multiple submitters, no conflicts (2 of 4 stars). 3 submissions from 3 submitters: Likely benign (3). Last evaluated 2026-03-13.

Conditions:
TRPM1-related disorder. Also called: TRPM1-related condition.

Allele frequency attached by ClinVar (database versions not stated): gnomAD 0.00003 and 0.00004; gnomAD exomes 0.00003 and 0.00004; TOPMed 0.00003; ExAC 0.00005; ESP Exome Variant Server 0.00008; 1000 Genomes Project 30x 0.00016; 1000 Genomes Project 0.00020.
gnomAD v4.1: 54 of 1,614,028 alleles (0.0033%); highest among the groups gnomAD compares: South Asian, 0.027%; 1 homozygote.

Submissions (3):

PreventionGenetics, part of Exact Sciences
Classification: Likely benign for TRPM1-related condition. Last evaluated: 2026-03-13. Review status: criteria provided, single submitter. Criteria: ACMG Guidelines, 2015. Collection method: clinical testing. Allele origin: germline.
Comment: This variant is classified as likely benign based on ACMG/AMP sequence variant interpretation guidelines (Richards et al. 2015 PMID: 25741868, with internal and published modifications).

Labcorp Genetics (formerly Invitae), Labcorp
Classification: Likely benign. Last evaluated: 2024-04-29. Review status: criteria provided, single submitter. Criteria: Invitae Variant Classification Sherloc (09022015). Collection method: clinical testing. Allele origin: germline.

Blueprint Genetics
Classification: Likely benign. Last evaluated: 2023-02-03. Review status: criteria provided, single submitter. Criteria: ACMG Guidelines, 2015. Collection method: clinical testing. Allele origin: germline.